The following is an entry in ClinVar:

NM_001252024.2(TRPM1):c.846G>A (p.Val282=)

Gene: TRPM1 (transient receptor potential cation channel subfamily M member 1; minus strand). Cytogenetic location: 15q13.3.
Variant type: single nucleotide variant.
Coding change: c.846G>A on transcript NM_001252024.2 (MANE Select); coding-DNA position 846, G replaced by A.
Protein change: p.Val282=; no amino-acid change (valine 282 retained).
Molecular consequence: synonymous variant.
Genome position (GRCh38, 1-based): chr15:31,063,237, C>T on the plus strand (G>A on the coding strand, the complement: TRPM1 is on the minus strand). VCF-style: chr15-31063237-C-T. GRCh37 (hg19) VCF-style: chr15-31355440-C-T.
Other names: c.897G>A, p.Val299= (NM_001252020.2); c.780G>A, p.Val260= (NM_002420.6).
Identifiers: ClinVar variation 4982344 (VCV004982344.1).

ClinVar aggregate classification (germline): Likely benign (1 of 4 stars; one submission).

Conditions:
TRPM1-related disorder. Also called: TRPM1-related condition.

gnomAD v4.1: 5 of 1,614,046 alleles (0.00031%); highest among the groups gnomAD compares: African/African-American, 0.0067%; no homozygotes.

Submission:

PreventionGenetics, part of Exact Sciences
Classification: Likely benign for TRPM1-related condition. Last evaluated: 2024-11-19. Review status: criteria provided, single submitter. Criteria: ACMG Guidelines, 2015. Collection method: clinical testing. Allele origin: germline.
Comment: This variant is classified as likely benign based on ACMG/AMP sequence variant interpretation guidelines (Richards et al. 2015 PMID: 25741868, with internal and published modifications).